The following is an entry in ClinVar:

ClinVar aggregate classification (germline): Uncertain significance (1 of 4 stars; one submission).

Submission:

GeneDx
Classification: Uncertain significance. Last evaluated: 2020-01-13. Review status: criteria provided, single submitter. Criteria: GeneDx Variant Classification Process June 2021. Collection method: clinical testing. Allele origin: germline. Affected: yes.
Comment: Not observed in large population cohorts (Lek et al., 2016); In silico analysis, which includes protein predictors and evolutionary conservation, supports that this variant does not alter protein structure/function; Has not been previously published as pathogenic or benign to our knowledge

NM_001256545.2(MEGF10):c.2363A>G (p.Lys788Arg)

Gene: MEGF10 (multiple EGF like domains 10; plus strand). Cytogenetic location: 5q23.2.
Variant type: single nucleotide variant.
Coding change: c.2363A>G on transcript NM_001256545.2 (MANE Select); coding-DNA position 2363, A replaced by G.
Protein change: p.Lys788Arg; replaces lysine 788 with arginine.
Molecular consequence: missense variant.
Genome position (GRCh38, 1-based): chr5:127,442,998, A>G. VCF-style: chr5-127442998-A-G. GRCh37 (hg19) VCF-style: chr5-126778690-A-G.
Other names: c.2363A>G, p.Lys788Arg (NM_032446.3); short protein forms K788R.
Identifiers: ClinVar variation 1311815 (VCV001311815.2), dbSNP rs1200074021, ClinGen allele CA360734216.